The following is an entry in ClinVar:

ClinVar aggregate classification (germline): Likely benign (1 of 4 stars; one submission).

gnomAD v4.1: 84 of 1,614,208 alleles (0.0052%); highest among the groups gnomAD compares: Non-Finnish European, 0.0071%; no homozygotes.

Submission:

CeGaT Center for Human Genetics Tuebingen
Classification: Likely benign. Last evaluated: 2025-06-01. Review status: criteria provided, single submitter. Criteria: CeGaT Center For Human Genetics Tuebingen Variant Classification Criteria Version 2. Collection method: clinical testing. Allele origin: germline. Affected: yes. Observed: 1 variant allele.
Comment: HIVEP2: BP4, BP7

NM_006734.4(HIVEP2):c.3786G>A (p.Glu1262=)

Gene: HIVEP2 (HIVEP zinc finger 2; minus strand). Cytogenetic location: 6q24.2.
Variant type: single nucleotide variant.
Coding change: c.3786G>A on transcript NM_006734.4 (MANE Select); coding-DNA position 3786, G replaced by A.
Protein change: p.Glu1262=; no amino-acid change (glutamic acid 1262 retained).
Molecular consequence: synonymous variant.
Genome position (GRCh38, 1-based): chr6:142,770,953, C>T on the plus strand (G>A on the coding strand, the complement: HIVEP2 is on the minus strand). VCF-style: chr6-142770953-C-T. GRCh37 (hg19) VCF-style: chr6-143092090-C-T.
Identifiers: ClinVar variation 3905604 (VCV003905604.10).
Genomic context (GRCh38, chr6:142,770,953, plus strand): 5'-ATAACATGGGTAGGTCTGCTCTTTCGTGTGTGCATACTCAGCAGGTTTCTTTCCAGTGTG[C>T]TCTGCCACATGCTCTAAGGGATAGCTCGAATGGATTTCTGTCTGAAAAGAGGGCTTGCCA-3'
Protein context (NP_006725.3, residues 1252-1272): HSSYPLEHVA[Glu1262=]HTGKKPAEYA